The following is an entry in ClinVar:

ClinVar aggregate classification (germline): Uncertain significance (1 of 4 stars; one submission).

Conditions:
Sulfite oxidase deficiency due to molybdenum cofactor deficiency type A. Also called: Molybdenum cofactor deficiency, complementation group A; Molybdenum Cofactor Deficiency A. Identifiers: Orphanet 308386, Orphanet 833, MedGen C1854988, MONDO:0009643, OMIM 252150.

gnomAD v4.1: 1 of 1,612,832 alleles (0.000062%); highest among the groups gnomAD compares: Non-Finnish European, 0.000085%; no homozygotes.

Submission:

Labcorp Genetics (formerly Invitae), Labcorp
Classification: Uncertain significance for Sulfite oxidase deficiency due to molybdenum cofactor deficiency type A. Last evaluated: 2022-06-15. Review status: criteria provided, single submitter. Criteria: Invitae Variant Classification Sherloc (09022015). Collection method: clinical testing. Allele origin: germline.
Comment: This sequence change affects codon 101 of the MOCS1 mRNA. It is a 'silent' change, meaning that it does not change the encoded amino acid sequence of the MOCS1 protein. This variant is not present in population databases (gnomAD no frequency). In summary, the available evidence is currently insufficient to determine the role of this variant in disease. Therefore, it has been classified as a Variant of Uncertain Significance. This variant has not been reported in the literature in individuals affected with MOCS1-related conditions.

NM_001358530.2(MOCS1):c.303G>A (p.Leu101=)

Gene: MOCS1 (molybdenum cofactor synthesis 1; minus strand). Cytogenetic location: 6p21.2.
Variant type: single nucleotide variant.
Coding change: c.303G>A on transcript NM_001358530.2 (MANE Select); coding-DNA position 303, G replaced by A.
Protein change: p.Leu101=; no amino-acid change (leucine 101 retained).
Molecular consequence: synonymous variant. On other transcripts: non-coding transcript variant (1).
Genome position (GRCh38, 1-based): chr6:39,925,793, C>T on the plus strand (G>A on the coding strand, the complement: MOCS1 is on the minus strand). VCF-style: chr6-39925793-C-T. GRCh37 (hg19) VCF-style: chr6-39893537-C-T.
Other names: c.303G>A, p.Leu101= (NM_001075098.4, NM_001358529.2, NM_005943.6); c.42G>A, p.Leu14= (NM_001358531.2, NM_001358533.2, NM_001358534.2).
Identifiers: ClinVar variation 1907223 (VCV001907223.5), dbSNP rs1167395123, ClinGen allele CA450207792.